The following is an entry in ClinVar:

NM_001195305.3(BBIP1):c.-9C>G

Gene: BBIP1 (BBSome interacting protein 1; minus strand). Cytogenetic location: 10q25.2.
Variant type: single nucleotide variant.
Coding change: c.-9C>G on transcript NM_001195305.3 (MANE Select); 9 bases upstream of the start codon, C replaced by G.
Molecular consequence: 5 prime UTR variant. On other transcripts: intron variant (1).
Genome position (GRCh38, 1-based): chr10:110,918,166, G>C on the plus strand (C>G on the coding strand, the complement: BBIP1 is on the minus strand). VCF-style: chr10-110918166-G-C. GRCh37 (hg19) VCF-style: chr10-112677924-G-C.
Other names: c.-9C>G (NM_001195304.2, NM_001195306.2, NM_001195307.2); c.-30+955C>G (NM_001243783.3).
Identifiers: ClinVar variation 4986955 (VCV004986955.1).

ClinVar aggregate classification (germline): Uncertain significance (1 of 4 stars; one submission).

Conditions:
BBIP1-related disorder. Also called: BBIP1-related condition.

Submission:

PreventionGenetics, part of Exact Sciences
Classification: Uncertain significance for BBIP1-related condition. Last evaluated: 2025-06-05. Review status: criteria provided, single submitter. Criteria: ACMG Guidelines, 2015. Collection method: clinical testing. Allele origin: germline.
Comment: The BBIP1 c.-9C>G variant is located in the 5' untranslated region. This variant is predicted to impact splicing by one available splicing algorithm (SpliceAI, Jaganathan et al. 2019. PubMed ID: 30661751). To our knowledge, this variant has not been reported in the literature or in a large population database (gnomAD), indicating this variant is rare. At this time, the clinical significance of this variant is uncertain due to the absence of conclusive functional and genetic evidence.